The following is an entry in ClinVar:

NM_001122630.2(CDKN1C):c.67_68insGAG (p.Phe23Ter)

Gene: CDKN1C (cyclin dependent kinase inhibitor 1C; minus strand). Cytogenetic location: 11p15.4.
Variant type: Insertion.
Coding change: c.67_68insGAG on transcript NM_001122630.2 (MANE Select); coding-DNA positions 67 to 68, GAG inserted.
Protein change: p.Phe23Ter; replaces phenylalanine 23 with a stop codon.
Molecular consequence: nonsense.
Genome position: GRCh38 VCF-style: chr11-2885389-A-ACTC. GRCh37 (hg19) VCF-style: chr11-2906619-A-ACTC.
Other names: c.100_101insGAG, p.Phe34Ter (NM_000076.2, NM_001362474.2); c.67_68insGAG, p.Phe23Ter (NM_001122631.2, NM_001362475.2); short protein forms F34*, F23*.
Identifiers: ClinVar variation 966958 (VCV000966958.7), dbSNP rs1848979151, ClinGen allele CA1139661765.
Genomic context (GRCh38, chr11:2,885,389, plus strand): 5'-TTCAGCTCGGCCAGGCGGGCCTGCAGCTCGCGGCTCAGCTCCTCGTGGTCCACCGGCCCG[A>ACTC]AGAGGCTGCGGCAGGCGCTGGTGCGCACTAGTACTGGGAAGGTCCCACGGGCGACAAGAC-3'

ClinVar aggregate classification (germline): Pathogenic (1 of 4 stars; one submission).

Conditions:
Beckwith-Wiedemann syndrome (BWS). Also called: Exomphalos macroglossia gigantism syndrome; EMG SYNDROME. Identifiers: Orphanet 116, MedGen C0004903, MONDO:0007534, OMIM 130650.

Submission:

Labcorp Genetics (formerly Invitae), Labcorp
Classification: Pathogenic for Beckwith-Wiedemann syndrome. Last evaluated: 2019-10-03. Review status: criteria provided, single submitter. Criteria: Invitae Variant Classification Sherloc (09022015). Collection method: clinical testing. Allele origin: germline.
Comment: This variant is not present in population databases (ExAC no frequency). This sequence change creates a premature translational stop signal (p.Phe34*) in the CDKN1C gene. It is expected to result in an absent or disrupted protein product. For these reasons, this variant has been classified as Pathogenic. Loss-of-function variants in CDKN1C are known to be pathogenic (PMID: 20503313). This variant has not been reported in the literature in individuals with CDKN1C-related conditions.

Literature cited by the submitters: PubMed 20503313.